The following is an entry in ClinVar:

NM_004795.4(KL):c.2672T>A (p.Met891Lys)

Gene: KL (klotho; plus strand). Cytogenetic location: 13q13.1.
Variant type: single nucleotide variant.
Coding change: c.2672T>A on transcript NM_004795.4 (MANE Select); coding-DNA position 2672, T replaced by A.
Protein change: p.Met891Lys; replaces methionine 891 with lysine.
Molecular consequence: missense variant.
Genome position (GRCh38, 1-based): chr13:33,061,751, T>A. VCF-style: chr13-33061751-T-A. GRCh37 (hg19) VCF-style: chr13-33635888-T-A.
Other names: short protein forms M891K.
Identifiers: ClinVar variation 2857676 (VCV002857676.3), dbSNP rs753365219, ClinGen allele CA387798369.

ClinVar aggregate classification (germline): Uncertain significance (1 of 4 stars; one submission).

Submission:

Labcorp Genetics (formerly Invitae), Labcorp
Classification: Uncertain significance. Last evaluated: 2023-04-20. Review status: criteria provided, single submitter. Criteria: Invitae Variant Classification Sherloc (09022015). Collection method: clinical testing. Allele origin: germline.
Comment: This variant is not present in population databases (gnomAD no frequency). In summary, the available evidence is currently insufficient to determine the role of this variant in disease. Therefore, it has been classified as a Variant of Uncertain Significance. Advanced modeling of protein sequence and biophysical properties (such as structural, functional, and spatial information, amino acid conservation, physicochemical variation, residue mobility, and thermodynamic stability) performed at Invitae indicates that this missense variant is not expected to disrupt KL protein function. This variant has not been reported in the literature in individuals affected with KL-related conditions. This sequence change replaces methionine, which is neutral and non-polar, with lysine, which is basic and polar, at codon 891 of the KL protein (p.Met891Lys).